The following is an entry in ClinVar:

NM_004304.5(ALK):c.2153G>A (p.Gly718Asp)

Gene: ALK (ALK receptor tyrosine kinase; minus strand). Cytogenetic location: 2p23.2.
Variant type: single nucleotide variant.
Coding change: c.2153G>A on transcript NM_004304.5 (MANE Select); coding-DNA position 2153, G replaced by A.
Protein change: p.Gly718Asp; replaces glycine 718 with aspartic acid.
Molecular consequence: missense variant.
Genome position (GRCh38, 1-based): chr2:29,251,156, C>T on the plus strand (G>A on the coding strand, the complement: ALK is on the minus strand). VCF-style: chr2-29251156-C-T. GRCh37 (hg19) VCF-style: chr2-29474022-C-T.
Other names: c.2153G>A (NM_004304.4); short protein forms G718D.
Identifiers: ClinVar variation 1429640 (VCV001429640.9), dbSNP rs1573160519, ClinGen allele CA346476853.

ClinVar aggregate classification (germline): Uncertain significance. Review status: criteria provided, multiple submitters, no conflicts (2 of 4 stars). 2 submissions from 2 submitters: Uncertain significance (2). Last evaluated 2023-09-29.

Conditions:
Neuroblastoma, susceptibility to, 3. Also called: ALK-Related Neuroblastic Tumor Susceptibility. Identifiers: Orphanet 635, MedGen C2751681, MONDO:0013083, OMIM 613014.
Hereditary cancer-predisposing syndrome. Also called: Hereditary neoplastic syndrome; Tumor predisposition; Hereditary Cancer Syndrome; Neoplastic Syndromes, Hereditary. Identifiers: Orphanet 140162, MedGen C0027672, MeSH D009386, MONDO:0015356.

Allele frequency attached by ClinVar (database versions not stated): gnomAD exomes below 0.00001.
gnomAD v4.1: 1 of 1,614,130 alleles (0.000062%); highest among the groups gnomAD compares: Non-Finnish European, 0.000085%; no homozygotes.

Submissions (2):

Ambry Genetics
Classification: Uncertain significance for Hereditary cancer-predisposing syndrome. Last evaluated: 2023-09-29. Review status: criteria provided, single submitter. Criteria: Ambry Variant Classification Scheme 2023. Collection method: clinical testing. Allele origin: germline.
Comment: The p.G718D variant (also known as c.2153G>A), located in coding exon 12 of the ALK gene, results from a G to A substitution at nucleotide position 2153. The glycine at codon 718 is replaced by aspartic acid, an amino acid with similar properties. This amino acid position is conserved. In addition, the in silico prediction for this alteration is inconclusive. Since supporting evidence is limited at this time, the clinical significance of this alteration remains unclear.

Labcorp Genetics (formerly Invitae), Labcorp
Classification: Uncertain significance for Neuroblastoma, susceptibility to, 3. Last evaluated: 2020-12-10. Review status: criteria provided, single submitter. Criteria: Invitae Variant Classification Sherloc (09022015). Collection method: clinical testing. Allele origin: germline.
Comment: In summary, the available evidence is currently insufficient to determine the role of this variant in disease. Therefore, it has been classified as a Variant of Uncertain Significance. Algorithms developed to predict the effect of missense changes on protein structure and function (SIFT, PolyPhen-2, Align-GVGD) all suggest that this variant is likely to be disruptive, but these predictions have not been confirmed by published functional studies and their clinical significance is uncertain. This variant has not been reported in the literature in individuals with ALK-related conditions. This variant is not present in population databases (ExAC no frequency). This sequence change replaces glycine with aspartic acid at codon 718 of the ALK protein (p.Gly718Asp). The glycine residue is highly conserved and there is a moderate physicochemical difference between glycine and aspartic acid.